The following is an entry in ClinVar:

NM_003978.5(PSTPIP1):c.1146G>A (p.Ala382=)

Gene: PSTPIP1 (proline-serine-threonine phosphatase interacting protein 1; plus strand). Cytogenetic location: 15q24.3.
Variant type: single nucleotide variant.
Coding change: c.1146G>A on transcript NM_003978.5 (MANE Select); coding-DNA position 1146, G replaced by A.
Protein change: p.Ala382=; no amino-acid change (alanine 382 retained).
Molecular consequence: synonymous variant. On other transcripts: non-coding transcript variant (1).
Genome position (GRCh38, 1-based): chr15:77,037,071, G>A. VCF-style: chr15-77037071-G-A. GRCh37 (hg19) VCF-style: chr15-77329412-G-A.
Other names: c.1146G>A (NM_003978.4); c.1089G>A, p.Ala363= (NM_001321135.2); c.1119G>A, p.Ala373= (NM_001321136.2); c.1341G>A, p.Ala447= (NM_001321137.1).
Identifiers: ClinVar variation 766706 (VCV000766706.21), dbSNP rs760234757, ClinGen allele CA7676207.

ClinVar aggregate classification (germline): Conflicting classifications of pathogenicity. Review status: criteria provided, conflicting classifications (1 of 4 stars). 4 submissions from 4 submitters: Uncertain significance (1); Likely benign (2). 1 of the submissions does not count toward it. Last evaluated 2025-09-08.

Conditions:
PSTPIP1-related disorder. Also called: PSTPIP1-related condition.
Pyogenic arthritis-pyoderma gangrenosum-acne syndrome (PAPA). Also called: PAPA SYNDROME; FAMILIAL RECURRENT ARTHRITIS. Identifiers: Orphanet 69126, MedGen C1858361, MONDO:0011462, OMIM 604416.

Allele frequency attached by ClinVar (database versions not stated): gnomAD 0.00005 and 0.00006; TOPMed 0.00006.

Submissions (4):

Labcorp Genetics (formerly Invitae), Labcorp
Classification: Likely benign for Pyogenic arthritis-pyoderma gangrenosum-acne syndrome. Last evaluated: 2025-09-08. Review status: criteria provided, single submitter. Criteria: Invitae Variant Classification Sherloc (09022015). Collection method: clinical testing. Allele origin: germline.

Blueprint Genetics
Classification: Likely benign. Last evaluated: 2023-04-26. Review status: criteria provided, single submitter. Criteria: ACMG Guidelines, 2015. Collection method: clinical testing. Allele origin: germline.

ARUP Laboratories, Molecular Genetics and Genomics, ARUP Laboratories
Classification: Uncertain significance for Pyogenic arthritis-pyoderma gangrenosum-acne syndrome. Last evaluated: 2019-04-19. Review status: criteria provided, single submitter. Criteria: ARUP Molecular Germline Variant Investigation Process. Collection method: clinical testing. Allele origin: germline.
Comment: The PSTPIP1 c.1146G>A; p.Ala382Ala variant (rs760234757), to our knowledge, is not reported in the medical literature or gene-specific databases. The variant is reported in the general population with an overall allele frequency of 0.007% (20/278196 alleles) in the Genome Aggregation Database. This is a synonymous variant in a weakly conserved nucleotide, but computational analyses (Alamut v.2.11) predict that this variant may create a novel splicing acceptor site, which if utilized would create a frameshift. However, pathogenic variants in PSTPIP1 are most often missense variants, not loss of function variants as this variant would induce if the novel splicing acceptor site were utilized (Campbell 2016). Therefore, due to limited information, the clinical significance of this variant cannot be determined with certainty. REFERENCES: Campbell L et al. The Relationship between NALP3 and Autoinflammatory Syndromes. Int J Mol Sci. 2016 May 13;17(5). pii: E725.

PreventionGenetics, part of Exact Sciences
Classification: Likely benign for PSTPIP1-related condition. Last evaluated: 2024-08-08. Review status: no assertion criteria provided. Collection method: clinical testing. Allele origin: germline. Not counted in ClinVar's aggregate classification.
Comment: This variant is classified as likely benign based on ACMG/AMP sequence variant interpretation guidelines (Richards et al. 2015 PMID: 25741868, with internal and published modifications).